The following is an entry in ClinVar:

NM_183050.4(BCKDHB):c.37A>G (p.Arg13Gly)

Gene: BCKDHB (branched chain keto acid dehydrogenase E1 subunit beta; plus strand). Cytogenetic location: 6q14.1.
Variant type: single nucleotide variant.
Coding change: c.37A>G on transcript NM_183050.4 (MANE Select); coding-DNA position 37, A replaced by G.
Protein change: p.Arg13Gly; replaces arginine 13 with glycine.
Molecular consequence: missense variant. On other transcripts: non-coding transcript variant (1), intron variant (1).
Genome position (GRCh38, 1-based): chr6:80,106,730, A>G. VCF-style: chr6-80106730-A-G. GRCh37 (hg19) VCF-style: chr6-80816447-A-G.
Other names: c.37A>G, p.Arg13Gly (NM_000056.5); c.-15+47A>G (NM_001318975.1); short protein forms R13G.
Identifiers: ClinVar variation 1715031 (VCV001715031.5), dbSNP rs2533310721, ClinGen allele CA364657961.

ClinVar aggregate classification (germline): Uncertain significance (1 of 4 stars; one submission).

Conditions:
Maple syrup urine disease (MSUD). Identifiers: Orphanet 511, MedGen C0024776, MeSH D008375, MONDO:0009563. Disease mechanism: loss of function.

Allele frequency attached by ClinVar (database versions not stated): gnomAD exomes below 0.00001.
gnomAD v4.1: 3 of 1,558,256 alleles (0.00019%); highest among the groups gnomAD compares: Non-Finnish European, 0.00017%; no homozygotes.

Submission:

Labcorp Genetics (formerly Invitae), Labcorp
Classification: Uncertain significance for Maple syrup urine disease. Last evaluated: 2022-08-04. Review status: criteria provided, single submitter. Criteria: Invitae Variant Classification Sherloc (09022015). Collection method: clinical testing. Allele origin: germline.
Comment: In summary, the available evidence is currently insufficient to determine the role of this variant in disease. Therefore, it has been classified as a Variant of Uncertain Significance. Algorithms developed to predict the effect of missense changes on protein structure and function output the following: SIFT: "Tolerated"; PolyPhen-2: "Not Available"; Align-GVGD: "Class C0". The glycine amino acid residue is found in multiple mammalian species, which suggests that this missense change does not adversely affect protein function. This variant has not been reported in the literature in individuals affected with BCKDHB-related conditions. This variant is not present in population databases (gnomAD no frequency). This sequence change replaces arginine, which is basic and polar, with glycine, which is neutral and non-polar, at codon 13 of the BCKDHB protein (p.Arg13Gly).